The following is an entry in ClinVar:

NM_001039141.3(TRIOBP):c.2776C>T (p.Arg926Cys)

Gene: TRIOBP (TRIO and F-actin binding protein; plus strand). Cytogenetic location: 22q13.1.
Variant type: single nucleotide variant.
Coding change: c.2776C>T on transcript NM_001039141.3 (MANE Select); coding-DNA position 2776, C replaced by T.
Protein change: p.Arg926Cys; replaces arginine 926 with cysteine.
Molecular consequence: missense variant.
Genome position (GRCh38, 1-based): chr22:37,725,332, C>T. VCF-style: chr22-37725332-C-T. GRCh37 (hg19) VCF-style: chr22-38121339-C-T.
Other names: short protein forms R926C.
Identifiers: ClinVar variation 4086443 (VCV004086443.3).
Genomic context (GRCh38, chr22:37,725,332, plus strand): 5'-TGGGCCTCGTTTCCCCTCCGGCCAACTCAGAGTGATGGTCCCCGAACCTCTTCCCCATCT[C>T]GCTCCAAGCAAAGCGAGGTTCCCTGGGCATCCATCGCCCTCCGGCCAACCCAAGGTGACA-3'
Protein context (NP_001034230.1, residues 916-936): SDGPRTSSPS[Arg926Cys]SKQSEVPWAS

ClinVar aggregate classification (germline): Uncertain significance. Review status: criteria provided, multiple submitters, no conflicts (2 of 4 stars). 3 submissions from 3 submitters: Uncertain significance (3). Last evaluated 2026-06-17.

Conditions:
TRIOBP-related disorder. Also called: TRIOBP-related condition.

gnomAD v4.1: 117 of 1,613,676 alleles (0.0073%); highest among the groups gnomAD compares: Middle Eastern, 0.016%; no homozygotes.

Submissions (3):

PreventionGenetics, part of Exact Sciences
Classification: Uncertain significance for TRIOBP-related condition. Last evaluated: 2026-06-17. Review status: criteria provided, single submitter. Criteria: ACMG Guidelines, 2015. Collection method: clinical testing. Allele origin: germline.
Comment: The TRIOBP c.2776C>T variant is predicted to result in the amino acid substitution p.Arg926Cys. To our knowledge, this variant has not been reported in the literature. This variant is reported in 0.016% of alleles in individuals of European (Finnish) descent in gnomAD. At this time, the clinical significance of this variant is uncertain due to the absence of conclusive functional and genetic evidence.

GeneDx
Classification: Uncertain significance. Last evaluated: 2025-03-21. Review status: criteria provided, single submitter. Criteria: GeneDx Variant Classification Process June 2021. Collection method: clinical testing. Allele origin: germline. Affected: yes.
Comment: In silico analysis supports that this missense variant has a deleterious effect on protein structure/function; This variant is associated with the following publications: (PMID: 36672845)

Blueprint Genetics
Classification: Uncertain significance. Last evaluated: 2023-12-28. Review status: criteria provided, single submitter. Criteria: ACMG Guidelines, 2015. Collection method: clinical testing. Allele origin: germline.